The following is an entry in ClinVar:

ClinVar aggregate classification (germline): Likely pathogenic. Review status: criteria provided, multiple submitters, no conflicts (2 of 4 stars). 3 submissions from 3 submitters: Likely pathogenic (3). Last evaluated 2025-07-29.

Conditions:
Isovaleryl-CoA dehydrogenase deficiency (IVA). Also called: Isovaleric acidemia; Classic Isovaleric Acidemia; ISOVALERIC ACID CoA DEHYDROGENASE DEFICIENCY; IVD DEFICIENCY. Identifiers: Orphanet 33, MedGen C0268575, MONDO:0009475, OMIM 243500.

Allele frequency attached by ClinVar (database versions not stated): gnomAD exomes below 0.00001; TOPMed 0.00001.
gnomAD v4.1: 1 of 1,614,262 alleles (0.000062%); highest among the groups gnomAD compares: African/African-American, 0.0013%; no homozygotes.

Submissions (3):

GeneDx
Classification: Likely pathogenic. Last evaluated: 2025-07-29. Review status: criteria provided, single submitter. Criteria: GeneDx Variant Classification Process June 2021. Collection method: clinical testing. Allele origin: germline. Affected: yes.
Comment: Published functional studies demonstrate a damaging effect: p.(M329T) significantly reduces IVDH protein expression and enzyme activity (PMID: 34535384); Not observed at significant frequency in large population cohorts (gnomAD); In silico analysis supports that this missense variant has a deleterious effect on protein structure/function; Also known as p.(M297T), p.(M326T); This variant is associated with the following publications: (PMID: 24019846, 34535384)

Natera, Inc.
Classification: Likely pathogenic for Isovaleryl-coa dehydrogenase deficiency. Last evaluated: 2025-05-22. Review status: criteria provided, single submitter. Criteria: Natera Variant Classification Schema (03/2026). Collection method: clinical testing. Allele origin: germline.
Comment: The c.986T>C variant in IVD is a missense variant predicted to cause substitution of methionine to threonine at amino acid 329. This variant is rare in the general population with a frequency below the threshold expected for the associated phenotype(s). This variant has been observed in one or more individuals affected with the associated recessive disease, as either homozygous or compound heterozygous with a second variant (PMID: 24019846, 34535384). This variant has been identified in one or more affected individual with a phenotype highly consistent with the associated gene (PMID: 24019846, 34535384). Functional studies show that this variant may disrupt protein function (PMID: 34535384). Computational prediction algorithms indicate this variant is likely to affect gene or protein function. Given the available evidence, this variant is classified as Likely Pathogenic.

Labcorp Genetics (formerly Invitae), Labcorp
Classification: Likely pathogenic for Isovaleryl-CoA dehydrogenase deficiency. Last evaluated: 2021-05-18. Review status: criteria provided, single submitter. Criteria: Invitae Variant Classification Sherloc (09022015). Collection method: clinical testing. Allele origin: germline.
Comment: This sequence change replaces methionine with threonine at codon 329 of the IVD protein (p.Met329Thr). The methionine residue is highly conserved and there is a moderate physicochemical difference between methionine and threonine. In summary, the currently available evidence indicates that the variant is pathogenic, but additional data are needed to prove that conclusively. Therefore, this variant has been classified as Likely Pathogenic. Algorithms developed to predict the effect of missense changes on protein structure and function (SIFT, PolyPhen-2, Align-GVGD) all suggest that this variant is likely to be disruptive, but these predictions have not been confirmed by published functional studies and their clinical significance is uncertain. This variant has been observed in individual(s) with isovaleric acidemia (PMID: 24019846, Invitae). In at least one individual the data is consistent with the variant being in trans (on the opposite chromosome) from a pathogenic variant. This variant is not present in population databases (ExAC no frequency).

Literature cited by the submitters: PubMed 24019846 (cited by Natera, Inc. and Labcorp Genetics (formerly Invitae), Labcorp); PubMed 34535384 (cited by Natera, Inc.).

NM_002225.5(IVD):c.977T>C (p.Met326Thr)

Gene: IVD (isovaleryl-CoA dehydrogenase; plus strand). Cytogenetic location: 15q15.1.
Variant type: single nucleotide variant.
Coding change: c.977T>C on transcript NM_002225.5 (MANE Select); coding-DNA position 977, T replaced by C.
Protein change: p.Met326Thr; replaces methionine 326 with threonine.
Molecular consequence: missense variant. On other transcripts: non-coding transcript variant (1).
Genome position (GRCh38, 1-based): chr15:40,416,094, T>C. VCF-style: chr15-40416094-T-C. GRCh37 (hg19) VCF-style: chr15-40708293-T-C.
Other names: c.887T>C, p.Met296Thr (NM_001159508.3); c.929T>C, p.Met310Thr (NM_001354597.3); c.977T>C, p.Met326Thr (NM_001354598.3, NM_001354601.3); c.1064T>C, p.Met355Thr (NM_001354599.3, NM_001354600.3); c.986T>C (NM_002225.3); short protein forms M355T, M296T, M310T, M326T.
Identifiers: ClinVar variation 1479097 (VCV001479097.11), dbSNP rs1891640609, ClinGen allele CA391722759.